The following is an entry in ClinVar:

NM_001378778.1(MPDZ):c.4930G>A (p.Val1644Ile)

Gene: MPDZ (multiple PDZ domain crumbs cell polarity complex component; minus strand). Cytogenetic location: 9p23.
Variant type: single nucleotide variant.
Coding change: c.4930G>A on transcript NM_001378778.1 (MANE Select); coding-DNA position 4930, G replaced by A.
Protein change: p.Val1644Ile; replaces valine 1644 with isoleucine.
Molecular consequence: missense variant.
Genome position (GRCh38, 1-based): chr9:13,123,176, C>T on the plus strand (G>A on the coding strand, the complement: MPDZ is on the minus strand). VCF-style: chr9-13123176-C-T. GRCh37 (hg19) VCF-style: chr9-13123175-C-T.
Other names: c.4831G>A, p.Val1611Ile (NM_001261406.2, NM_001261407.2, NM_001375416.1 and 3 more transcripts); c.4930G>A, p.Val1644Ile (NM_001330637.2, NM_003829.5); c.5029G>A, p.Val1677Ile (NM_001375413.1); c.4720G>A, p.Val1574Ile (NM_001375420.1, NM_001375421.1, NM_001375422.1 and 4 more transcripts); c.4522G>A, p.Val1508Ile (NM_001375427.1); short protein forms V1508I, V1574I, V1644I, V1611I, V1677I.
Identifiers: ClinVar variation 1481369 (VCV001481369.3), dbSNP rs764834512, ClinGen allele CA4986527.

ClinVar aggregate classification (germline): Uncertain significance (1 of 4 stars; one submission).

Allele frequency attached by ClinVar (database versions not stated): TOPMed below 0.00001; gnomAD 0.00001; ExAC 0.00003.
gnomAD v4.1: 17 of 1,612,472 alleles (0.0011%); highest among the groups gnomAD compares: South Asian, 0.0022%; no homozygotes.

Submission:

Labcorp Genetics (formerly Invitae), Labcorp
Classification: Uncertain significance. Last evaluated: 2021-11-11. Review status: criteria provided, single submitter. Criteria: Invitae Variant Classification Sherloc (09022015). Collection method: clinical testing. Allele origin: germline.
Comment: This sequence change replaces valine, which is neutral and non-polar, with isoleucine, which is neutral and non-polar, at codon 1644 of the MPDZ protein (p.Val1644Ile). This variant is present in population databases (rs764834512, gnomAD 0.01%). This variant has not been reported in the literature in individuals affected with MPDZ-related conditions. Algorithms developed to predict the effect of missense changes on protein structure and function (SIFT, PolyPhen-2, Align-GVGD) all suggest that this variant is likely to be disruptive. In summary, the available evidence is currently insufficient to determine the role of this variant in disease. Therefore, it has been classified as a Variant of Uncertain Significance.